The following is an entry in ClinVar:

NM_004174.4(SLC9A3):c.1748T>A (p.Val583Asp)

Genes: SLC9A3 (solute carrier family 9 member A3), SLC9A3-AS1 (SLC9A3 antisense RNA 1; plus strand). Cytogenetic location: 5p15.33.
Variant type: single nucleotide variant.
Coding change: c.1748T>A on transcript NM_004174.4 (MANE Select); coding-DNA position 1748, T replaced by A.
Protein change: p.Val583Asp; replaces valine 583 with aspartic acid.
Molecular consequence: missense variant.
Genome position (GRCh38, 1-based): chr5:477,344, A>T on the plus strand (T>A on the coding strand, the complement: SLC9A3 is on the minus strand). VCF-style: chr5-477344-A-T. GRCh37 (hg19) VCF-style: chr5-477459-A-T.
Other names: c.1721T>A, p.Val574Asp (NM_001284351.3); short protein forms V574D, V583D.
Identifiers: ClinVar variation 1463575 (VCV001463575.6), dbSNP rs1259255065, ClinGen allele CA359026107.
Genomic context (GRCh38, chr5:477,344, plus strand): 5'-CGAGGCTGGGCTCTTCCCCAGGGAAGCTGCATGACCATGGCCACATACAGGAGGTAGGAG[A>T]CAGAGGCCTCCACGGTGGACGATCGTGGCGTGAAGTCCACGTTGACCACGTTGTCGGTGC-3'
Protein context (NP_004165.2, residues 573-593): TPRSSTVEAS[Val583Asp]SYLLRENVSA

ClinVar aggregate classification (germline): Uncertain significance (1 of 4 stars; one submission).

Allele frequency attached by ClinVar (database versions not stated): gnomAD exomes below 0.00001.

Submission:

Labcorp Genetics (formerly Invitae), Labcorp
Classification: Uncertain significance. Last evaluated: 2021-05-06. Review status: criteria provided, single submitter. Criteria: Invitae Variant Classification Sherloc (09022015). Collection method: clinical testing. Allele origin: germline.
Comment: In summary, the available evidence is currently insufficient to determine the role of this variant in disease. Therefore, it has been classified as a Variant of Uncertain Significance. Algorithms developed to predict the effect of missense changes on protein structure and function are either unavailable or do not agree on the potential impact of this missense change (SIFT: "Not Available"; PolyPhen-2: "Probably Damaging"; Align-GVGD: "Not Available"). This variant has not been reported in the literature in individuals with SLC9A3-related conditions. This variant is not present in population databases (ExAC no frequency). This sequence change replaces valine with aspartic acid at codon 583 of the SLC9A3 protein (p.Val583Asp). The valine residue is moderately conserved and there is a large physicochemical difference between valine and aspartic acid.